The following is an entry in ClinVar:

NM_001199397.3(NEK1):c.869-1G>T

Gene: NEK1 (NIMA related kinase 1; minus strand). Cytogenetic location: 4q33.
Variant type: single nucleotide variant.
Coding change: c.869-1G>T on transcript NM_001199397.3 (MANE Select); the canonical splice acceptor site of the intron before coding-DNA position 869, G replaced by T.
Molecular consequence: splice acceptor variant.
Genome position (GRCh38, 1-based): chr4:169,577,080, C>A on the plus strand (G>T on the coding strand, the complement: NEK1 is on the minus strand). VCF-style: chr4-169577080-C-A. GRCh37 (hg19) VCF-style: chr4-170498231-C-A.
Other names: IVS12AS, G-T, -1; c.869-1G>T (NM_001374421.1, NM_001374420.1, NM_001199399.3 and 7 more transcripts).
Identifiers: ClinVar variation 193892 (VCV000193892.9), dbSNP rs794727032, ClinGen allele CA210628.

ClinVar aggregate classification (germline): Pathogenic. Review status: criteria provided, multiple submitters, no conflicts (2 of 4 stars). 3 submissions from 3 submitters: Pathogenic (2). 1 of the submissions does not count toward it. Last evaluated 2023-02-11.

Conditions:
Short-rib thoracic dysplasia 6 with or without polydactyly (SRTD6). Also called: Majewski Syndrome; SHORT-RIB THORACIC DYSPLASIA 6 WITH POLYDACTYLY; SHORT-RIB THORACIC DYSPLASIA 6 WITHOUT POLYDACTYLY; SHORT RIB-POLYDACTYLY SYNDROME, TYPE IIA; POLYDACTYLY WITH NEONATAL CHONDRODYSTROPHY, TYPE II. Identifiers: MedGen C0024507, MONDO:0009894, OMIM 263520.
Axial spondylometaphyseal dysplasia. Also called: AXIAL SMD. Identifiers: Orphanet 168549, MedGen C1865695, MONDO:0011211, OMIM 602271.
Mohr syndrome (OFD2). Also called: OFDS II; ORAL-FACIAL-DIGITAL SYNDROME, TYPE II; OROFACIODIGITAL SYNDROME II. Identifiers: Orphanet 2751, MedGen C0026363, MONDO:0009642, OMIM 252100.

Allele frequency attached by ClinVar (database versions not stated): gnomAD exomes below 0.00001; gnomAD 0.00001; TOPMed 0.00002.
gnomAD v4.1: 20 of 1,613,190 alleles (0.0012%); highest among the groups gnomAD compares: Non-Finnish European, 0.0017%; no homozygotes.

Submissions (3):

GeneDx
Classification: Pathogenic. Last evaluated: 2023-02-11. Review status: criteria provided, single submitter. Criteria: GeneDx Variant Classification Process June 2021. Collection method: clinical testing. Allele origin: germline.
Comment: Canonical splice site variant predicted to result in a null allele in a gene for which loss-of-function is a known mechanism of disease; Not observed at significant frequency in large population cohorts (gnomAD); This variant is associated with the following publications: (PMID: 27455347, 25492405)

Eurofins Ntd Llc (ga)
Classification: Pathogenic. Last evaluated: 2015-04-02. Review status: criteria provided, single submitter. Criteria: EGL Classification Definitions 2015. Collection method: clinical testing. Allele origin: germline. Observed: 2 variant alleles, 2 heterozygotes.

OMIM
Classification: Pathogenic for SHORT-RIB THORACIC DYSPLASIA 6 WITHOUT POLYDACTYLY. Last evaluated: 2018-06-18. Review status: no assertion criteria provided. Collection method: literature only. Allele origin: germline. Not counted in ClinVar's aggregate classification.

Literature cited by the submitters: PubMed 25492405 (cited by OMIM).